The following is an entry in ClinVar:

NM_153033.5(KCTD7):c.89C>T (p.Pro30Leu)

Genes: KCTD7 (potassium channel tetramerization domain containing 7; plus strand), LOC129998533 (ATAC-STARR-seq lymphoblastoid silent region 18210; plus strand). Cytogenetic location: 7q11.21.
Variant type: single nucleotide variant.
Coding change: c.89C>T on transcript NM_153033.5 (MANE Select); coding-DNA position 89, C replaced by T.
Protein change: p.Pro30Leu; replaces proline 30 with leucine.
Molecular consequence: missense variant.
Genome position (GRCh38, 1-based): chr7:66,629,153, C>T. VCF-style: chr7-66629153-C-T. GRCh37 (hg19) VCF-style: chr7-66094140-C-T.
Other names: c.89C>T, p.Pro30Leu (NM_001167961.2); short protein forms P30L.
Identifiers: ClinVar variation 1448883 (VCV001448883.8), dbSNP rs890695139, ClinGen allele CA367695313.
Genomic context (GRCh38, chr7:66,629,153, plus strand): 5'-ACAGCCGTCGTCAGGACGGTGCCATGTCCAGCTCTGACGCCGAAGACGACTTTCTGGAGC[C>T]GGCCACGCCGACGGCCACGCAGGCGGGGCACGCGCTGCCCCTGCTGCCACAGGAGGTACC-3'
Protein context (NP_694578.1, residues 20-40): SSDAEDDFLE[Pro30Leu]ATPTATQAGH

ClinVar aggregate classification (germline): Uncertain significance (1 of 4 stars; one submission).

Conditions:
Progressive myoclonic epilepsy type 3. Also called: EPILEPSY, PROGRESSIVE MYOCLONIC, 3, WITH OR WITHOUT INTRACELLULAR INCLUSIONS; CEROID LIPOFUSCINOSIS, NEURONAL, 14; EPILEPSY, PROGRESSIVE MYOCLONIC, 3, WITHOUT INTRACELLULAR INCLUSIONS; KCTD7-Related Progressive Myoclonic Epilepsy. Identifiers: Orphanet 263516, MedGen C2673257, MONDO:0012721, OMIM 611726.

Allele frequency attached by ClinVar (database versions not stated): gnomAD exomes 0.00001.
gnomAD v4.1: 2 of 1,526,390 alleles (0.00013%); highest among the groups gnomAD compares: South Asian, 0.0012%; no homozygotes.

Submission:

Labcorp Genetics (formerly Invitae), Labcorp
Classification: Uncertain significance for Progressive myoclonic epilepsy type 3. Last evaluated: 2021-03-26. Review status: criteria provided, single submitter. Criteria: Invitae Variant Classification Sherloc (09022015). Collection method: clinical testing. Allele origin: germline.
Comment: In summary, the available evidence is currently insufficient to determine the role of this variant in disease. Therefore, it has been classified as a Variant of Uncertain Significance. Algorithms developed to predict the effect of missense changes on protein structure and function are either unavailable or do not agree on the potential impact of this missense change (SIFT: "Deleterious"; PolyPhen-2: "Probably Damaging"; Align-GVGD: "Class C0"). This variant has not been reported in the literature in individuals with KCTD7-related conditions. This variant is not present in population databases (ExAC no frequency). This sequence change replaces proline with leucine at codon 30 of the KCTD7 protein (p.Pro30Leu). The proline residue is highly conserved and there is a moderate physicochemical difference between proline and leucine.